The following is an entry in ClinVar:

NM_001171.6(ABCC6):c.3634-3C>A

Gene: ABCC6 (ATP binding cassette subfamily C member 6; minus strand). Cytogenetic location: 16p13.11.
Variant type: single nucleotide variant.
Coding change: c.3634-3C>A on transcript NM_001171.6 (MANE Select); 3 bases into the intron before coding-DNA position 3634, C replaced by A.
Molecular consequence: intron variant.
Genome position (GRCh38, 1-based): chr16:16,159,586, G>T on the plus strand (C>A on the coding strand, the complement: ABCC6 is on the minus strand). VCF-style: chr16-16159586-G-T. GRCh37 (hg19) VCF-style: chr16-16253443-G-T.
Other names: c.3292-3C>A (NM_001351800.1).
Identifiers: ClinVar variation 433393 (VCV000433393.11), dbSNP rs72664212, ClinGen allele CA7925496.

ClinVar aggregate classification (germline): Conflicting classifications of pathogenicity. Review status: criteria provided, conflicting classifications (1 of 4 stars). 5 submissions from 5 submitters: Likely pathogenic (3); Uncertain significance (1). 1 of the submissions does not count toward it. Last evaluated 2025-07-16.

Conditions:
Autosomal recessive inherited pseudoxanthoma elasticum (PXE). Identifiers: Orphanet 758, MedGen CN032334, MONDO:0009925, OMIM 264800.
Arterial calcification, generalized, of infancy, 2. Identifiers: Orphanet 51608, MedGen C3276161, MONDO:0013768, OMIM 614473.
Pseudoxanthoma elasticum, forme fruste. Also called: Pseudoxanthoma Elasticum, Incomplete; PSEUDOXANTHOMA ELASTICUM, HETEROZYGOUS. Identifiers: Orphanet 758, MedGen C1867450, MONDO:0008333, OMIM 177850.

Allele frequency attached by ClinVar (database versions not stated): gnomAD exomes 0.00002; ExAC 0.00003; gnomAD 0.00003; TOPMed 0.00003.
gnomAD v4.1: 26 of 1,613,916 alleles (0.0016%); highest among the groups gnomAD compares: Admixed American, 0.005%; 1 homozygote.

Submissions (5):

Labcorp Genetics (formerly Invitae), Labcorp
Classification: Likely pathogenic. Last evaluated: 2025-07-16. Review status: criteria provided, single submitter. Criteria: Invitae Variant Classification Sherloc (09022015). Collection method: clinical testing. Allele origin: germline.
Comment: This sequence change falls in intron 25 of the ABCC6 gene. It does not directly change the encoded amino acid sequence of the ABCC6 protein. It affects a nucleotide within the consensus splice site. This variant is present in population databases (rs72664212, gnomAD 0.009%). This variant has been observed in individual(s) with pseudoxanthoma elasticum (PMID: 15086542, 35261845). In at least one individual the data is consistent with being in trans (on the opposite chromosome) from a pathogenic variant. This variant is also known as IVS25-3C>A. ClinVar contains an entry for this variant (Variation ID: 433393). Variants that disrupt the consensus splice site are a relatively common cause of aberrant splicing (PMID: 17576681, 9536098). Algorithms developed to predict the effect of sequence changes on RNA splicing suggest that this variant may disrupt the consensus splice site. In summary, the currently available evidence indicates that the variant is pathogenic, but additional data are needed to prove that conclusively. Therefore, this variant has been classified as Likely Pathogenic.

Dasa
Classification: Likely pathogenic. Last evaluated: 2025-05-12. Review status: criteria provided, single submitter. Criteria: DASA Assertion Criteria. Collection method: clinical testing. Allele origin: germline.
Comment: NM_001171.6(ABCC6):c.3634-3C>A is a splice-region variant. This variant affects a splice-region context with prior evidence supporting clinical relevance. This variant has been recurrently observed in individuals with ABCC6-related disorders (PMID: 15086542; PMID: 35261845). Also, this variant is rare in population databases. Computational evidence supports a deleterious effect. Based on the currently available evidence, this variant is classified as likely pathogenic.

Blueprint Genetics
Classification: Uncertain significance. Last evaluated: 2024-06-03. Review status: criteria provided, single submitter. Criteria: ACMG Guidelines, 2015. Collection method: clinical testing. Allele origin: germline.

Fulgent Genetics
Classification: Likely pathogenic for Pseudoxanthoma elasticum, forme fruste; Autosomal recessive inherited pseudoxanthoma elasticum; Arterial calcification, generalized, of infancy, 2. Last evaluated: 2024-05-23. Review status: criteria provided, single submitter. Criteria: ACMG Guidelines, 2015. Collection method: clinical testing. Allele origin: germline.

PXE International
Classification: Uncertain significance for Autosomal recessive inherited pseudoxanthoma elasticum. Last evaluated: 2021-02-16. Review status: no assertion criteria provided. Collection method: research. Allele origin: germline. Inheritance: Autosomal recessive inheritance. Affected: yes. Not counted in ClinVar's aggregate classification.

Literature cited by the submitters: PubMed 15086542 (cited by 3 submitters); PubMed 35261845 (cited by Labcorp Genetics (formerly Invitae), Labcorp and Dasa); PubMed 17576681 (cited by Labcorp Genetics (formerly Invitae), Labcorp); PubMed 9536098 (cited by Labcorp Genetics (formerly Invitae), Labcorp).